The following is an entry in ClinVar:

NM_020639.3(RIPK4):c.1100G>T (p.Ser367Ile)

Gene: RIPK4 (receptor interacting serine/threonine kinase 4; minus strand). Cytogenetic location: 21q22.3.
Variant type: single nucleotide variant.
Coding change: c.1100G>T on transcript NM_020639.3 (MANE Select); coding-DNA position 1100, G replaced by T.
Protein change: p.Ser367Ile; replaces serine 367 with isoleucine.
Molecular consequence: missense variant.
Genome position (GRCh38, 1-based): chr21:41,743,977, C>A on the plus strand (G>T on the coding strand, the complement: RIPK4 is on the minus strand). VCF-style: chr21-41743977-C-A. GRCh37 (hg19) VCF-style: chr21-43164137-C-A.
Other names: short protein forms S367I.
Identifiers: ClinVar variation 746692 (VCV000746692.7), dbSNP rs201477363, ClinGen allele CA10035405.

ClinVar aggregate classification (germline): Likely benign. Review status: criteria provided, multiple submitters, no conflicts (2 of 4 stars). 2 submissions from 2 submitters: Likely benign (2). Last evaluated 2018-04-02.

Conditions:
Bartsocas-Papas syndrome 1. Also called: MULTIPLE PTERYGIUM SYNDROME, ASLAN TYPE; Bartsocas-Papas syndrome; PTERYGIUM, POPLITEAL, LETHAL TYPE. Identifiers: Orphanet 1234, MedGen C1849718, MONDO:0009901, OMIM 263650.

Allele frequency attached by ClinVar (database versions not stated): gnomAD exomes 0.00008 and 0.00035; gnomAD 0.00009 and 0.00011; TOPMed 0.00017; ExAC 0.00030; 1000 Genomes Project 30x 0.00094; 1000 Genomes Project 0.00120.
gnomAD v4.1: 130 of 1,613,564 alleles (0.0081%); highest among the groups gnomAD compares: East Asian, 0.27%; no homozygotes.

Submissions (2):

Labcorp Genetics (formerly Invitae), Labcorp
Classification: Likely benign. Last evaluated: 2018-04-02. Review status: criteria provided, single submitter. Criteria: Invitae Variant Classification Sherloc (09022015). Collection method: clinical testing. Allele origin: germline.

Illumina Laboratory Services, Illumina
Classification: Likely benign for Bartsocas-Papas syndrome 1. Last evaluated: 2018-01-13. Review status: criteria provided, single submitter. Criteria: ICSL Variant Classification Criteria 13 December 2019. Collection method: clinical testing. Allele origin: germline.
Comment: This variant was observed in the ICSL laboratory as part of a predisposition screen in an ostensibly healthy population. It had not been previously curated by ICSL or reported in the Human Gene Mutation Database (HGMD: prior to June 1st, 2018), and was therefore a candidate for classification through an automated scoring system. Utilizing variant allele frequency, disease prevalence and penetrance estimates, and inheritance mode, an automated score was calculated to assess if this variant is too frequent to cause the disease. Based on the score and internal cut-off values, a variant classified as likely benign is not then subjected to further curation. The score for this variant resulted in a classification of likely benign for this disease.